The following is an entry in ClinVar:

ClinVar aggregate classification (germline): Uncertain significance (1 of 4 stars; one submission).

Conditions:
Inborn genetic diseases. Identifiers: MedGen C0950123, MeSH D030342.

Allele frequency attached by ClinVar (database versions not stated): gnomAD exomes 0.00003; gnomAD 0.00004 and 0.00005; ExAC 0.00006; TOPMed 0.00007; ESP Exome Variant Server 0.00008.
gnomAD v4.1: 47 of 1,614,068 alleles (0.0029%); highest among the groups gnomAD compares: Middle Eastern, 0.033%; no homozygotes.

Submission:

Ambry Genetics
Classification: Uncertain significance for Inborn genetic diseases. Last evaluated: 2014-01-13. Review status: criteria provided, single submitter. Criteria: Ambry Autosomal Dominant and X-Linked criteria (10/2015). Collection method: clinical testing. Allele origin: germline. Observed: 1 variant allele.
Comment: There is insufficient or conflicting evidence for classification of this alteration.

NM_152447.5(LRFN5):c.869C>T (p.Thr290Ile)

Gene: LRFN5 (leucine rich repeat and fibronectin type III domain containing 5; plus strand). Cytogenetic location: 14q21.1.
Variant type: single nucleotide variant.
Coding change: c.869C>T on transcript NM_152447.5 (MANE Select); coding-DNA position 869, C replaced by T.
Protein change: p.Thr290Ile; replaces threonine 290 with isoleucine.
Molecular consequence: missense variant. On other transcripts: non-coding transcript variant (2).
Genome position (GRCh38, 1-based): chr14:41,887,494, C>T. VCF-style: chr14-41887494-C-T. GRCh37 (hg19) VCF-style: chr14-42356697-C-T.
Other names: c.869C>T, p.Thr290Ile (NM_001330106.2, NM_001346173.2, NM_001346175.2); short protein forms T290I.
Identifiers: ClinVar variation 225025 (VCV000225025.3), dbSNP rs370216412, ClinGen allele CA358196.